The following is an entry in ClinVar:

Conditions:
Breast-ovarian cancer, familial, susceptibility to, 1 (BROVCA1). Also called: BRCA1 Hereditary Breast and Ovarian Cancer; OVARIAN CANCER, SUSCEPTIBILITY TO. Identifiers: Orphanet 145, MedGen C2676676, MONDO:0011450, OMIM 604370. Disease mechanism: loss of function.

Allele frequency attached by ClinVar (database versions not stated): gnomAD exomes below 0.00001.
gnomAD v4.1: 1 of 1,613,962 alleles (0.000062%); highest among the groups gnomAD compares: South Asian, 0.0011%; no homozygotes.

Submission:

Brotman Baty Institute, University of Washington
No classification provided (evidence only). Condition: Breast-ovarian cancer, familial 1. Review status: no classification provided. Collection method: in vitro. Allele origin: not applicable. Functional consequence: functionally_normal.
ClinVar note: "not provided" was previously submitted as the classification for the variant. However, the classification appeared to be based only on an observation of functional data so it was converted to no classification on 2025-07-30.

NM_007294.4(BRCA1):c.5266C>G (p.Gln1756Glu)

Gene: BRCA1 (BRCA1 DNA repair associated; minus strand). Cytogenetic location: 17q21.31.
Variant type: single nucleotide variant.
Coding change: c.5266C>G on transcript NM_007294.4 (MANE Select); coding-DNA position 5266, C replaced by G.
Protein change: p.Gln1756Glu; replaces glutamine 1756 with glutamic acid.
Molecular consequence: missense variant. On other transcripts: non-coding transcript variant (1).
Genome position (GRCh38, 1-based): chr17:43,057,063, G>C on the plus strand (C>G on the coding strand, the complement: BRCA1 is on the minus strand). VCF-style: chr17-43057063-G-C. GRCh37 (hg19) VCF-style: chr17-41209080-G-C.
Other names: c.5053C>G, p.Gln1685Glu (NM_001407571.1, NM_001407900.1, NM_001407902.1 and 12 more transcripts); c.5332C>G, p.Gln1778Glu (NM_001407581.1, NM_001407582.1); c.5329C>G, p.Gln1777Glu (NM_001407583.1, NM_001407585.1, NM_001407587.1 and 1 more transcripts); c.5263C>G, p.Gln1755Glu (NM_001407610.1, NM_001407611.1, NM_001407612.1 and 17 more transcripts); c.5260C>G, p.Gln1754Glu (NM_001407629.1, NM_001407630.1, NM_001407631.1 and 14 more transcripts); c.5206C>G, p.Gln1736Glu (NM_001407649.1); c.5188C>G, p.Gln1730Glu (NM_001407652.1, NM_001407653.1, NM_001407654.1 and 1 more transcripts); c.5185C>G, p.Gln1729Glu (NM_001407656.1, NM_001407657.1, NM_001407658.1); and 72 more; short protein forms Q1709E, Q1756E, Q1777E, Q652E, Q1628E, Q1629E, Q1684E, Q1685E.
Identifiers: ClinVar variation 868240 (VCV000868240.3), dbSNP rs397509247, ClinGen allele CA10591023.